The following is an entry in ClinVar:

NM_000077.5(CDKN2A):c.26T>A (p.Met9Lys)

Gene: CDKN2A (cyclin dependent kinase inhibitor 2A; minus strand). Cytogenetic location: 9p21.3.
Variant type: single nucleotide variant.
Coding change: c.26T>A on transcript NM_000077.5; coding-DNA position 26, T replaced by A.
Protein change: p.Met9Lys; replaces methionine 9 with lysine.
Molecular consequence: missense variant (on NM_058197.5). On other transcripts: intron variant (2).
Genome position (GRCh38, 1-based): chr9:21,974,802, A>T on the plus strand (T>A on the coding strand, the complement: CDKN2A is on the minus strand). VCF-style: chr9-21974802-A-T. GRCh37 (hg19) VCF-style: chr9-21974801-A-T.
Other names: c.26T>A, p.Met9Lys (NM_058197.5, NM_000077.6, NM_001195132.2); c.-3-3594T>A (NM_001363763.2); c.194-3594T>A (NM_058195.4); short protein forms M9K.
Identifiers: ClinVar variation 236985 (VCV000236985.21), dbSNP rs145445140, ClinGen allele CA5012334.

ClinVar aggregate classification (germline): Conflicting classifications of pathogenicity. Review status: criteria provided, conflicting classifications (1 of 4 stars). 8 submissions from 8 submitters: Uncertain significance (5); Likely benign (3). Last evaluated 2026-05-22.

Conditions:
CDKN2A-related disorder. Also called: CDKN2A-related condition.
Familial melanoma. Also called: Hereditary cutaneous melanoma; Hereditary melanoma. Identifiers: Orphanet 618, MedGen C1512419, MONDO:0018961.
Hereditary cancer-predisposing syndrome. Also called: Neoplastic Syndromes, Hereditary; Hereditary neoplastic syndrome; Hereditary Cancer Syndrome; Tumor predisposition. Identifiers: Orphanet 140162, MedGen C0027672, MeSH D009386, MONDO:0015356.
Melanoma-pancreatic cancer syndrome. Identifiers: Orphanet 404560, MedGen C1838547, MONDO:0011713, OMIM 606719. Disease mechanism: loss of function.

Allele frequency attached by ClinVar (database versions not stated): TOPMed 0.00001; 1000 Genomes Project 0.00060; 1000 Genomes Project 30x 0.00062.
gnomAD v4.1: 48 of 1,604,394 alleles (0.003%); highest among the groups gnomAD compares: South Asian, 0.045%; 1 homozygote.

Submissions (8):

Women's Health and Genetics/Laboratory Corporation of America, LabCorp
Classification: Uncertain significance. Last evaluated: 2026-05-22. Review status: criteria provided, single submitter. Criteria: LabCorp Variant Classification Summary - May 2015. Collection method: clinical testing. Allele origin: germline.
Comment: Variant summary: CDKN2A c.26T>A (p.Met9Lys) results in a non-conservative amino acid change in the encoded protein sequence. Algorithms developed to predict the effect of missense changes on protein structure and function are either unavailable or do not agree on the potential impact of this missense change. The variant allele was found at a frequency of 8.2e-05 in 232042 control chromosomes. This frequency is not significantly higher than estimated for disease-causing variants in CDKN2A, allowing no conclusion about variant significance. c.26T>A has been observed in individuals affected with CDKN2A-related breast cancer and renal tumor without strong evidence of causality (Chan_2018, Wu_2019, Zhunussova_2023). These report(s) do not provide unequivocal conclusions about association of the variant with disease. To our knowledge, no experimental evidence demonstrating an impact on protein function has been reported. The following publications have been ascertained in the context of this evaluation (PMID: 30093976, 30548481, 37791908). ClinVar contains an entry for this variant (Variation ID: 236985). Based on the evidence outlined above, the variant was classified as uncertain significance.

PreventionGenetics, part of Exact Sciences
Classification: Likely benign for CDKN2A-related condition. Last evaluated: 2026-05-05. Review status: criteria provided, single submitter. Criteria: ACMG Guidelines, 2015. Collection method: clinical testing. Allele origin: germline.
Comment: This variant is classified as likely benign based on ACMG/AMP sequence variant interpretation guidelines (Richards et al. 2015 PMID: 25741868, with internal and published modifications).

Quest Diagnostics Nichols Institute San Juan Capistrano
Classification: Likely benign. Last evaluated: 2025-08-01. Review status: criteria provided, single submitter. Criteria: Quest Diagnostics criteria. Collection method: clinical testing. Allele origin: unknown.

Labcorp Genetics (formerly Invitae), Labcorp
Classification: Uncertain significance for Familial melanoma. Last evaluated: 2025-01-11. Review status: criteria provided, single submitter. Criteria: Invitae Variant Classification Sherloc (09022015). Collection method: clinical testing. Allele origin: germline.
Comment: This sequence change replaces methionine, which is neutral and non-polar, with lysine, which is basic and polar, at codon 9 of the CDKN2A (p16INK4a) protein (p.Met9Lys). This variant is present in population databases (rs145445140, gnomAD 0.05%), and has an allele count higher than expected for a pathogenic variant. This missense change has been observed in individual(s) with breast cancer (PMID: 30093976). ClinVar contains an entry for this variant (Variation ID: 236985). An algorithm developed to predict the effect of missense changes on protein structure and function (PolyPhen-2) suggests that this variant¬†is likely to be tolerated. In summary, the available evidence is currently insufficient to determine the role of this variant in disease. Therefore, it has been classified as a Variant of Uncertain Significance.

Color Diagnostics, LLC DBA Color Health
Classification: Uncertain significance for Hereditary cancer-predisposing syndrome. Last evaluated: 2023-10-02. Review status: criteria provided, single submitter. Criteria: ACMG Guidelines, 2015. Collection method: clinical testing. Allele origin: germline.
Comment: This missense variant replaces methionine with lysine at codon 9 of the CDKN2A (p16INK4A) protein. Computational prediction suggests that this variant may not impact protein structure and function (internally defined REVEL score threshold <= 0.5, PMID: 27666373). To our knowledge, functional studies have not been performed for this variant. This variant has not been reported in individuals affected with hereditary cancer in the literature. This variant has been identified in 19/232042 chromosomes in the general population by the Genome Aggregation Database (gnomAD). Although there is a suspicion that this variant may not be associated with disease, additional studies are necessary to determine the role of this variant in disease conclusively. Therefore, this variant is classified as a Variant of Uncertain Significance.

Ambry Genetics
Classification: Likely benign for Hereditary cancer-predisposing syndrome. Last evaluated: 2023-01-13. Review status: criteria provided, single submitter. Criteria: Ambry Variant Classification Scheme 2023. Collection method: clinical testing. Allele origin: germline.

St. Jude Molecular Pathology, St. Jude Children's Research Hospital
Classification: Uncertain significance for Melanoma-pancreatic cancer syndrome. Last evaluated: 2022-01-03. Review status: criteria provided, single submitter. Criteria: St. Jude Assertion Criteria 2020. Collection method: clinical testing. Allele origin: germline.
Comment: The CDKN2A c.26T>A (p.Met9Lys) missense change has a maximum subpopulation frequency of 0.053% in gnomAD v2.1.1. The in silico tool REVEL predicts a benign effect on protein function. To our knowledge, this variant has not been reported in individuals with malignant melanoma and/or pancreatic cancer. In summary, the evidence currently available is insufficient to determine the clinical significance of this variant. It has therefore been classified as of uncertain significance.

GeneDx
Classification: Uncertain significance. Last evaluated: 2021-04-29. Review status: criteria provided, single submitter. Criteria: GeneDx Variant Classification Process June 2021. Collection method: clinical testing. Allele origin: germline. Affected: yes.
Comment: In silico analysis supports that this missense variant does not alter protein structure/function; Observed in an individual with breast cancer (Chan 2018); This variant is associated with the following publications: (PMID: 30093976)

Literature cited by the submitters: PubMed 27756164 (cited by Women's Health and Genetics/Laboratory Corporation of America, LabCorp); PubMed 27960642 (cited by Women's Health and Genetics/Laboratory Corporation of America, LabCorp); PubMed 28765326 (cited by Women's Health and Genetics/Laboratory Corporation of America, LabCorp); PubMed 9166859 (cited by Women's Health and Genetics/Laboratory Corporation of America, LabCorp); PubMed 16818274 (cited by Women's Health and Genetics/Laboratory Corporation of America, LabCorp); PubMed 18519632 (cited by Women's Health and Genetics/Laboratory Corporation of America, LabCorp); PubMed 7718873 (cited by Women's Health and Genetics/Laboratory Corporation of America, LabCorp); PubMed 30093976 (cited by 3 submitters); PubMed 30548481 (cited by Women's Health and Genetics/Laboratory Corporation of America, LabCorp); PubMed 37791908 (cited by Women's Health and Genetics/Laboratory Corporation of America, LabCorp).